The following is an entry in ClinVar:

NM_001401501.2(MUC16):c.37446G>A (p.Leu12482=)

Gene: MUC16 (mucin 16, cell surface associated; minus strand). Cytogenetic location: 19p13.2.
Variant type: single nucleotide variant.
Coding change: c.37446G>A on transcript NM_001401501.2 (MANE Select); coding-DNA position 37446, G replaced by A.
Protein change: p.Leu12482=; no amino-acid change (leucine 12482 retained).
Molecular consequence: synonymous variant.
Genome position (GRCh38, 1-based): chr19:8,910,387, C>T on the plus strand (G>A on the coding strand, the complement: MUC16 is on the minus strand). VCF-style: chr19-8910387-C-T. GRCh37 (hg19) VCF-style: chr19-9021063-C-T.
Other names: c.37872G>A, p.Leu12624= (NM_001414686.1); c.37326G>A, p.Leu12442= (NM_001414687.1); c.37260G>A, p.Leu12420= (NM_024690.2).
Identifiers: ClinVar variation 3044812 (VCV003044812.2), dbSNP rs200073970, ClinGen allele CA305030567.
Genomic context (GRCh38, chr19:8,910,387, plus strand): 5'-ATAGATGATGTATCTGGGATGGGGCAGGAGTAAAGTGGGTGGGGCTCTCACCAGACCCTG[C>T]AGGACCCTCTCTGTGGTGTTGAACTTCCTGGAGCCAGGGTGACCCATGTCCTCCCCATAC-3'
Protein context (NP_001388430.1, residues 12472-12492): SRKFNTTERV[Leu12482=]QGLLGPIFKN

ClinVar aggregate classification (germline): Likely benign (0 of 4 stars; one submission).

Conditions:
MUC16-related disorder. Also called: MUC16-related condition.

Submission:

PreventionGenetics, part of Exact Sciences
Classification: Likely benign for MUC16-related condition. Last evaluated: 2019-04-11. Review status: no assertion criteria provided. Collection method: clinical testing. Allele origin: germline.
Comment: This variant is classified as likely benign based on ACMG/AMP sequence variant interpretation guidelines (Richards et al. 2015 PMID: 25741868, with internal and published modifications).